The following is an entry in ClinVar:

ClinVar aggregate classification (germline): Likely benign (1 of 4 stars; one submission).

gnomAD v4.1: 279 of 1,614,092 alleles (0.017%); highest among the groups gnomAD compares: Non-Finnish European, 0.022%; no homozygotes.

Submission:

Mayo Clinic Laboratories, Mayo Clinic
Classification: Likely benign. Last evaluated: 2025-08-06. Review status: criteria provided, single submitter. Criteria: ACMG Guidelines, 2015. Collection method: clinical testing. Allele origin: germline. Observed: 1 variant allele.
Comment: BS2, BP4

Literature cited by the submitters: PubMed 32527607.

NM_014045.5(LRP10):c.1165G>A (p.Asp389Asn)

Gene: LRP10 (LDL receptor related protein 10; plus strand). Cytogenetic location: 14q11.2.
Variant type: single nucleotide variant.
Coding change: c.1165G>A on transcript NM_014045.5 (MANE Select); coding-DNA position 1165, G replaced by A.
Protein change: p.Asp389Asn; replaces aspartic acid 389 with asparagine.
Molecular consequence: missense variant.
Genome position (GRCh38, 1-based): chr14:22,876,113, G>A. VCF-style: chr14-22876113-G-A. GRCh37 (hg19) VCF-style: chr14-23345322-G-A.
Other names: p.Asp389Asn; c.1165G>A, p.Asp389Asn (NM_001329226.2); short protein forms D389N.
Identifiers: ClinVar variation 4683841 (VCV004683841.1).